The following is an entry in ClinVar:

NM_001166271.3(SPATA13):c.-61C>T

Gene: SPATA13 (spermatogenesis associated 13; plus strand). Cytogenetic location: 13q12.12.
Variant type: single nucleotide variant.
Coding change: c.-61C>T on transcript NM_001166271.3 (MANE Select); 61 bases upstream of the start codon, C replaced by T.
Molecular consequence: 5 prime UTR variant. On other transcripts: synonymous variant (1), intron variant (1).
Genome position (GRCh38, 1-based): chr13:24,222,869, C>T. VCF-style: chr13-24222869-C-T. GRCh37 (hg19) VCF-style: chr13-24797007-C-T.
Other names: c.126C>T, p.Asp42= (NM_001286792.2); c.-222-26608C>T (NM_153023.4).
Identifiers: ClinVar variation 3038489 (VCV003038489.2), dbSNP rs146799878, ClinGen allele CA6913803.
Genomic context (GRCh38, chr13:24,222,869, plus strand): 5'-TTCACTGCAGCCCGTGGCCACCCAGGAGCCCGATGTGCAAGGCAGGTGTGAGTGCCAGGA[C>T]GGCATTCCTGGAGATGAAGGCCTGGAGCTGCGGTCTGCGGACTCGGCAGTGCCCGTGGCC-3'

ClinVar aggregate classification (germline): Benign (0 of 4 stars; one submission).

Conditions:
SPATA13-related disorder. Also called: SPATA13-related condition.

Allele frequency attached by ClinVar (database versions not stated): gnomAD exomes 0.00038; ExAC 0.00170; gnomAD 0.00353; TOPMed 0.00357; 1000 Genomes Project 30x 0.00406; 1000 Genomes Project 0.00439.

Submission:

PreventionGenetics, part of Exact Sciences
Classification: Benign for SPATA13-related condition. Last evaluated: 2019-08-22. Review status: no assertion criteria provided. Collection method: clinical testing. Allele origin: germline.
Comment: This variant is classified as benign based on ACMG/AMP sequence variant interpretation guidelines (Richards et al. 2015 PMID: 25741868, with internal and published modifications).